The following is an entry in ClinVar:

NM_001171.6(ABCC6):c.1766A>G (p.His589Arg)

Gene: ABCC6 (ATP binding cassette subfamily C member 6; minus strand). Cytogenetic location: 16p13.11.
Variant type: single nucleotide variant.
Coding change: c.1766A>G on transcript NM_001171.6 (MANE Select); coding-DNA position 1766, A replaced by G.
Protein change: p.His589Arg; replaces histidine 589 with arginine.
Molecular consequence: missense variant. On other transcripts: non-coding transcript variant (1).
Genome position (GRCh38, 1-based): chr16:16,188,844, T>C on the plus strand (A>G on the coding strand, the complement: ABCC6 is on the minus strand). VCF-style: chr16-16188844-T-C. GRCh37 (hg19) VCF-style: chr16-16282701-T-C.
Other names: c.1424A>G, p.His475Arg (NM_001351800.1); short protein forms H475R, H589R.
Identifiers: ClinVar variation 1999919 (VCV001999919.4), dbSNP rs1435686899, ClinGen allele CA394889245.
Genomic context (GRCh38, chr16:16,188,844, plus strand): 5'-GCCCACGCACTCTCCCAGGATGGCTCCAGCCCTTGCACCCACCTCACCTGGACGAGGGAG[T>C]GGATGGAGAAGGGCAGGAAAGCCTGGGCCTTGTTGAGGATGTTGAGAACTGTGAGAGTCA-3'
Protein context (NP_001162.5, residues 579-599): KAQAFLPFSI[His589Arg]SLVQARVSFD

ClinVar aggregate classification (germline): Uncertain significance (1 of 4 stars; one submission).

Allele frequency attached by ClinVar (database versions not stated): gnomAD exomes below 0.00001; TOPMed below 0.00001.
gnomAD v4.1: 2 of 1,612,996 alleles (0.00012%); highest among the groups gnomAD compares: Non-Finnish European, 0.00017%; no homozygotes.

Submission:

Labcorp Genetics (formerly Invitae), Labcorp
Classification: Uncertain significance. Last evaluated: 2025-03-17. Review status: criteria provided, single submitter. Criteria: Invitae Variant Classification Sherloc (09022015). Collection method: clinical testing. Allele origin: germline.
Comment: This sequence change replaces histidine, which is basic and polar, with arginine, which is basic and polar, at codon 589 of the ABCC6 protein (p.His589Arg). This variant is present in population databases (no rsID available, gnomAD 0.0009%). This variant has not been reported in the literature in individuals affected with ABCC6-related conditions. ClinVar contains an entry for this variant (Variation ID: 1999919). Invitae Evidence Modeling of protein sequence and biophysical properties (such as structural, functional, and spatial information, amino acid conservation, physicochemical variation, residue mobility, and thermodynamic stability) indicates that this missense variant is not expected to disrupt ABCC6 protein function with a negative predictive value of 95%. In summary, the available evidence is currently insufficient to determine the role of this variant in disease. Therefore, it has been classified as a Variant of Uncertain Significance.